The following is an entry in ClinVar:

ClinVar aggregate classification (germline): Conflicting classifications of pathogenicity. Review status: criteria provided, conflicting classifications (1 of 4 stars). 7 submissions from 7 submitters: Uncertain significance (5); Likely benign (2). Last evaluated 2026-03-27.

Conditions:
Hereditary cancer-predisposing syndrome. Also called: Tumor predisposition; Hereditary Cancer Syndrome; Hereditary neoplastic syndrome; Neoplastic Syndromes, Hereditary. Identifiers: Orphanet 140162, MedGen C0027672, MeSH D009386, MONDO:0015356.
Hereditary breast ovarian cancer syndrome. Also called: Hereditary breast and ovarian cancer syndrome; Breast and ovarian cancer; Hereditary breast and ovarian cancer; Hereditary breast and/or ovarian cancer syndrome; BRCA1- and BRCA2-Associated Hereditary Breast and Ovarian Cancer; Hereditary breast and ovarian cancer syndrome (HBOC). Identifiers: Orphanet 145, MedGen C0677776, MeSH D061325, MONDO:0003582. Disease mechanism: loss of function.
Breast-ovarian cancer, familial, susceptibility to, 2 (BROVCA2). Also called: BRCA2 Hereditary Breast and Ovarian Cancer. Identifiers: Orphanet 145, MedGen C2675520, MONDO:0012933, OMIM 612555. Disease mechanism: loss of function.

Allele frequency attached by ClinVar (database versions not stated): TOPMed below 0.00001; gnomAD 0.00002.
gnomAD v4.1: 3 of 1,606,394 alleles (0.00019%); highest among the groups gnomAD compares: African/African-American, 0.004%; no homozygotes.

Submissions (7):

Ambry Genetics
Classification: Likely benign for Hereditary cancer-predisposing syndrome. Last evaluated: 2026-03-27. Review status: criteria provided, single submitter. Criteria: Ambry Variant Classification Scheme 2023. Collection method: clinical testing. Allele origin: germline.

Color Diagnostics, LLC DBA Color Health
Classification: Uncertain significance for Hereditary cancer-predisposing syndrome. Last evaluated: 2025-09-10. Review status: criteria provided, single submitter. Criteria: ACMG Guidelines, 2015. Collection method: clinical testing. Allele origin: germline.
Comment: This missense variant replaces alanine with serine at codon 1070 of the BRCA2 protein. Computational prediction suggests that this variant may not impact protein structure and function. To our knowledge, functional studies have not been reported for this variant. This variant has been reported in 1 individual affected with head and neck cancer (PMID: 28678401). A multifactorial analysis has reached a combined likelihood ratio (LR) of 0.182 based on reported LR for co-occurrence with a pathogenic variant and/or segregation and personal and family history for 2 carriers (PMID: 31853058). This variant has been identified in 1/31404 chromosomes in the general population by the Genome Aggregation Database (gnomAD). The available evidence is insufficient to determine the role of this variant in disease conclusively. Therefore, this variant is classified as a Variant of Uncertain Significance.

Labcorp Genetics (formerly Invitae), Labcorp
Classification: Uncertain significance for Hereditary breast ovarian cancer syndrome. Last evaluated: 2024-12-28. Review status: criteria provided, single submitter. Criteria: Invitae Variant Classification Sherloc (09022015). Collection method: clinical testing. Allele origin: germline.
Comment: This sequence change replaces alanine, which is neutral and non-polar, with serine, which is neutral and polar, at codon 1070 of the BRCA2 protein (p.Ala1070Ser). This variant is present in population databases (rs372433502, gnomAD 0.01%). This missense change has been observed in individual(s) with head and neck squamous cell carcinoma (PMID: 28678401). ClinVar contains an entry for this variant (Variation ID: 182198). Invitae Evidence Modeling of protein sequence and biophysical properties (such as structural, functional, and spatial information, amino acid conservation, physicochemical variation, residue mobility, and thermodynamic stability) indicates that this missense variant is not expected to disrupt BRCA2 protein function with a negative predictive value of 95%. In summary, the available evidence is currently insufficient to determine the role of this variant in disease. Therefore, it has been classified as a Variant of Uncertain Significance.

GeneDx
Classification: Uncertain significance. Last evaluated: 2024-04-17. Review status: criteria provided, single submitter. Criteria: GeneDx Variant Classification Process June 2021. Collection method: clinical testing. Allele origin: germline. Affected: yes.
Comment: Observed in individuals with a personal and/or family history of breast and/or other cancers (PMID: 28678401, 31853058); In silico analysis indicates that this missense variant does not alter protein structure/function; Not observed at significant frequency in large population cohorts (gnomAD); Also known as 3436G>T; This variant is associated with the following publications: (PMID: 32377563, 29884841, 28678401, 31853058)

All of Us Research Program, National Institutes of Health
Classification: Uncertain significance for Breast-ovarian cancer, familial, susceptibility to, 2. Last evaluated: 2023-05-31. Review status: criteria provided, single submitter. Criteria: ACMG Guidelines, 2015. Collection method: clinical testing. Allele origin: germline. Inheritance: Autosomal dominant inheritance. Observed: 1 variant allele, 1 heterozygote.
Comment: This missense variant replaces alanine with serine at codon 1070 of the BRCA2 protein. Computational prediction suggests that this variant may not impact protein structure and function (internally defined REVEL score threshold <= 0.5, PMID: 27666373). To our knowledge, functional studies have not been reported for this variant. This variant has been reported in 1 individual affected with head and neck cancer (PMID: 28678401). This variant has been identified in 1/31404 chromosomes in the general population by the Genome Aggregation Database (gnomAD). The available evidence is insufficient to determine the role of this variant in disease conclusively. Therefore, this variant is classified as a Variant of Uncertain Significance.

This study involves interpretation of variants in research participants for the purpose of population health screening. Participant phenotype was not available at the time of variant classification. Additional details can be found in publication PMID: 35346344, PMCID: PMC8962531

University of Washington Department of Laboratory Medicine, University of Washington
Classification: Likely benign for Hereditary cancer-predisposing syndrome. Last evaluated: 2023-03-23. Review status: criteria provided, single submitter. Criteria: Dines et al. (Genet Med. 2020). Collection method: curation. Allele origin: germline.
Comment: Missense variant in a coldspot region where missense variants are very unlikely to be pathogenic (PMID:31911673).

BRCA2 exon 11 coldspot. Reclassification based on statistical prior probability.

Women's Health and Genetics/Laboratory Corporation of America, LabCorp
Classification: Uncertain significance. Last evaluated: 2020-08-10. Review status: criteria provided, single submitter. Criteria: LabCorp Variant Classification Summary - May 2015. Collection method: clinical testing. Allele origin: germline.
Comment: Variant summary: BRCA2 c.3208G>T (p.Ala1070Ser) results in a conservative amino acid change in the encoded protein sequence. Five of five in-silico tools predict a benign effect of the variant on protein function. The variant was absent in 245554 control chromosomes. The available data on variant occurrences in the general population are insufficient to allow any conclusion about variant significance. c.3208G>T has been reported in the literature in at least one individual affected with Hereditary Breast And Ovarian Cancer Syndrome (Chandrasekharappa_2017). This report does not provide unequivocal conclusions about association of the variant with Hereditary Breast And Ovarian Cancer Syndrome. To our knowledge, no experimental evidence demonstrating an impact on protein function has been reported. Four clinical diagnostic laboratories have submitted clinical-significance assessments for this variant to ClinVar after 2014 without evidence for independent evaluation. All laboratories classified the variant as uncertain significance. Based on the evidence outlined above, the variant was classified as uncertain significance.

Literature cited by the submitters: PubMed 28678401 (cited by 4 submitters); PubMed 31853058 (cited by Color Diagnostics, LLC DBA Color Health).

NM_000059.4(BRCA2):c.3208G>T (p.Ala1070Ser)

Gene: BRCA2 (BRCA2 DNA repair associated; plus strand). Cytogenetic location: 13q13.1.
Variant type: single nucleotide variant.
Coding change: c.3208G>T on transcript NM_000059.4 (MANE Select); coding-DNA position 3208, G replaced by T.
Protein change: p.Ala1070Ser; replaces alanine 1070 with serine.
Molecular consequence: missense variant.
Genome position (GRCh38, 1-based): chr13:32,337,563, G>T. VCF-style: chr13-32337563-G-T. GRCh37 (hg19) VCF-style: chr13-32911700-G-T.
Other names: p.A1070S:GCA>TCA; short protein forms A1070S.
Identifiers: ClinVar variation 182198 (VCV000182198.27), dbSNP rs372433502, ClinGen allele CA017554.